The following is an entry in ClinVar:

NM_000393.5(COL5A2):c.4325G>A (p.Arg1442Gln)

Gene: COL5A2 (collagen type V alpha 2 chain; minus strand). Cytogenetic location: 2q32.2.
Variant type: single nucleotide variant.
Coding change: c.4325G>A on transcript NM_000393.5 (MANE Select); coding-DNA position 4325, G replaced by A.
Protein change: p.Arg1442Gln; replaces arginine 1442 with glutamine.
Molecular consequence: missense variant.
Genome position (GRCh38, 1-based): chr2:189,034,944, C>T on the plus strand (G>A on the coding strand, the complement: COL5A2 is on the minus strand). VCF-style: chr2-189034944-C-T. GRCh37 (hg19) VCF-style: chr2-189899670-C-T.
Other names: p.R1442Q:CGG>CAG; short protein forms R1442Q.
Identifiers: ClinVar variation 213129 (VCV000213129.14), dbSNP rs761126767, ClinGen allele CA323411.

ClinVar aggregate classification (germline): Conflicting classifications of pathogenicity. Review status: criteria provided, conflicting classifications (1 of 4 stars). 3 submissions from 3 submitters: Uncertain significance (2); Benign (1). Last evaluated 2026-01-26.

Conditions:
Ehlers-Danlos syndrome, classic type, 1 (EDSCL1). Also called: Ehlers-Danlos Syndrome, Classic Type, COL5A1-Related; EHLERS-DANLOS SYNDROME, GRAVIS TYPE; EHLERS-DANLOS SYNDROME, SEVERE CLASSIC TYPE; Ehlers-Danlos syndrome, type 1; EDS I. Identifiers: MedGen C0268335, MONDO:0019567, OMIM 130000.
Familial thoracic aortic aneurysm and aortic dissection (TAAD). Also called: Thoracic aortic aneurysms and dissections. Identifiers: Orphanet 91387, MedGen C4707243, MONDO:0019625.

Allele frequency attached by ClinVar (database versions not stated): gnomAD exomes 0.00002 and 0.00003; TOPMed 0.00006; gnomAD 0.00006 and 0.00005; ExAC 0.00003.

Submissions (3):

Labcorp Genetics (formerly Invitae), Labcorp
Classification: Benign for Ehlers-Danlos syndrome, classic type, 1. Last evaluated: 2026-01-26. Review status: criteria provided, single submitter. Criteria: Invitae Variant Classification Sherloc (09022015). Collection method: clinical testing. Allele origin: germline.

Ambry Genetics
Classification: Uncertain significance for Familial thoracic aortic aneurysm and aortic dissection. Last evaluated: 2020-02-25. Review status: criteria provided, single submitter. Criteria: Ambry Variant Classification Scheme 2023. Collection method: clinical testing. Allele origin: germline.
Comment: The p.R1442Q variant (also known as c.4325G>A), located in coding exon 53 of the COL5A2 gene, results from a G to A substitution at nucleotide position 4325. The arginine at codon 1442 is replaced by glutamine, an amino acid with highly similar properties. This amino acid position is highly conserved in available vertebrate species. In addition, the in silico prediction for this alteration is inconclusive. Since supporting evidence is limited at this time, the clinical significance of this alteration remains unclear.

GeneDx
Classification: Uncertain significance. Last evaluated: 2018-08-29. Review status: criteria provided, single submitter. Criteria: GeneDx Variant Classification (06012015). Collection method: clinical testing. Allele origin: germline. Affected: yes.
Comment: The R1442Q variant in the COL5A2 gene has not been reported previously as a pathogenic variant, nor as a benign variant, to our knowledge. The R1442Q variant is observed in 9/276522 (0.003%) alleles in large population cohorts (Lek et al., 2016). The R1442Q variant is a semi-conservative amino acid substitution, which may impact secondary protein structure as these residues differ in some properties. In-silico analyses, including protein predictors and evolutionary conservation, support that this variant does not alter protein structure/function. We interpret R1442Q as a variant of uncertain significance.